The following is an entry in ClinVar:

ClinVar aggregate classification (germline): Uncertain significance. Review status: criteria provided, multiple submitters, no conflicts (2 of 4 stars). 4 submissions from 4 submitters: Uncertain significance (4). Last evaluated 2025-07-31.

Conditions:
Hereditary cancer-predisposing syndrome. Also called: Tumor predisposition; Hereditary Cancer Syndrome; Hereditary neoplastic syndrome; Neoplastic Syndromes, Hereditary. Identifiers: Orphanet 140162, MedGen C0027672, MeSH D009386, MONDO:0015356.
Mandibular hypoplasia-deafness-progeroid syndrome. Also called: Mandibular hypoplasia, deafness, progeroid features, and lipodystrophy syndrome. Identifiers: Orphanet 363649, MedGen C3715192, MONDO:0014157, OMIM 615381.
POLD1-related polyposis and colorectal cancer syndrome (CRCS10). Also called: Colorectal cancer 10; COLORECTAL CANCER, SUSCEPTIBILITY TO, ON CHROMOSOME 19q; Colorectal cancer, susceptibility to, 10. Identifiers: Orphanet 220460, MedGen C2675481, MONDO:0012953, OMIM 612591.

Allele frequency attached by ClinVar (database versions not stated): gnomAD exomes below 0.00001; ExAC 0.00001; gnomAD 0.00001; TOPMed 0.00002; 1000 Genomes Project 30x 0.00016; 1000 Genomes Project 0.00020.
gnomAD v4.1: 11 of 1,607,328 alleles (0.00068%); highest among the groups gnomAD compares: Admixed American, 0.0017%; no homozygotes.

Submissions (4):

Labcorp Genetics (formerly Invitae), Labcorp
Classification: Uncertain significance for POLD1-related polyposis and colorectal cancer syndrome. Last evaluated: 2025-07-31. Review status: criteria provided, single submitter. Criteria: Invitae Variant Classification Sherloc (09022015). Collection method: clinical testing. Allele origin: germline.
Comment: This sequence change replaces arginine, which is basic and polar, with cysteine, which is neutral and slightly polar, at codon 506 of the POLD1 protein (p.Arg506Cys). This variant is present in population databases (rs528292347, gnomAD 0.003%). This variant has not been reported in the literature in individuals affected with POLD1-related conditions. ClinVar contains an entry for this variant (Variation ID: 486073). Invitae Evidence Modeling of protein sequence and biophysical properties (such as structural, functional, and spatial information, amino acid conservation, physicochemical variation, residue mobility, and thermodynamic stability) indicates that this missense variant is expected to disrupt POLD1 protein function with a positive predictive value of 80%. In summary, the available evidence is currently insufficient to determine the role of this variant in disease. Therefore, it has been classified as a Variant of Uncertain Significance.

Ambry Genetics
Classification: Uncertain significance for Hereditary cancer-predisposing syndrome. Last evaluated: 2024-05-07. Review status: criteria provided, single submitter. Criteria: Ambry Variant Classification Scheme 2023. Collection method: clinical testing. Allele origin: germline.
Comment: The p.R506C variant (also known as c.1516C>T), located in coding exon 12 of the POLD1 gene, results from a C to T substitution at nucleotide position 1516. The arginine at codon 506 is replaced by cysteine, an amino acid with highly dissimilar properties. This amino acid position is highly conserved in available vertebrate species. In addition, the in silico prediction for this alteration is inconclusive. Since supporting evidence is limited at this time, the clinical significance of this alteration remains unclear.

Baylor Genetics
Classification: Uncertain significance for POLD1-related polyposis and colorectal cancer syndrome. Last evaluated: 2023-06-04. Review status: criteria provided, single submitter. Criteria: ACMG Guidelines, 2015. Collection method: clinical testing. Allele origin: unknown.

Fulgent Genetics
Classification: Uncertain significance for POLD1-related polyposis and colorectal cancer syndrome; Mandibular hypoplasia-deafness-progeroid syndrome. Last evaluated: 2018-10-31. Review status: criteria provided, single submitter. Criteria: ACMG Guidelines, 2015. Collection method: clinical testing. Allele origin: unknown.

NM_002691.4(POLD1):c.1516C>T (p.Arg506Cys)

Gene: POLD1 (DNA polymerase delta 1, catalytic subunit; plus strand). Cytogenetic location: 19q13.33.
Variant type: single nucleotide variant.
Coding change: c.1516C>T on transcript NM_002691.4 (MANE Select); coding-DNA position 1516, C replaced by T.
Protein change: p.Arg506Cys; replaces arginine 506 with cysteine.
Molecular consequence: missense variant. On other transcripts: non-coding transcript variant (1).
Genome position (GRCh38, 1-based): chr19:50,407,004, C>T. VCF-style: chr19-50407004-C-T. GRCh37 (hg19) VCF-style: chr19-50910261-C-T.
Other names: c.1516C>T, p.Arg506Cys (NM_001256849.1, NM_001308632.1); short protein forms R506C.
Identifiers: ClinVar variation 486073 (VCV000486073.30), dbSNP rs528292347, ClinGen allele CA9596166.